The following is an entry in ClinVar:

NM_001369.3(DNAH5):c.9897+1G>T

Gene: DNAH5 (dynein axonemal heavy chain 5; minus strand). Cytogenetic location: 5p15.2.
Variant type: single nucleotide variant.
Coding change: c.9897+1G>T on transcript NM_001369.3 (MANE Select); the canonical splice donor site of the intron after coding-DNA position 9897, G replaced by T.
Molecular consequence: splice donor variant.
Genome position (GRCh38, 1-based): chr5:13,768,959, C>A on the plus strand (G>T on the coding strand, the complement: DNAH5 is on the minus strand). VCF-style: chr5-13768959-C-A. GRCh37 (hg19) VCF-style: chr5-13769068-C-A.
Identifiers: ClinVar variation 2112684 (VCV002112684.4), dbSNP rs914675446, ClinGen allele CA359201205.

ClinVar aggregate classification (germline): Pathogenic (1 of 4 stars; one submission).

Conditions:
Primary ciliary dyskinesia. Also called: Ciliary dyskinesia. Identifiers: Orphanet 244, MedGen C0008780, MONDO:0016575, HP:0012265.

gnomAD v4.1: 1 of 1,614,104 alleles (0.000062%); highest among the groups gnomAD compares: Non-Finnish European, 0.000085%; no homozygotes.

Submission:

Labcorp Genetics (formerly Invitae), Labcorp
Classification: Pathogenic for Primary ciliary dyskinesia. Last evaluated: 2022-03-15. Review status: criteria provided, single submitter. Criteria: Invitae Variant Classification Sherloc (09022015). Collection method: clinical testing. Allele origin: germline.
Comment: Algorithms developed to predict the effect of sequence changes on RNA splicing suggest that this variant may disrupt the consensus splice site. For these reasons, this variant has been classified as Pathogenic. Disruption of this splice site has been observed in individual(s) with primary ciliary dyskinesia (Invitae). This variant is not present in population databases (gnomAD no frequency). This sequence change affects a donor splice site in intron 58 of the DNAH5 gene. It is expected to disrupt RNA splicing. Variants that disrupt the donor or acceptor splice site typically lead to a loss of protein function (PMID: 16199547), and loss-of-function variants in DNAH5 are known to be pathogenic (PMID: 11788826, 16627867).

Literature cited by the submitters: PubMed 16199547; PubMed 11788826; PubMed 16627867.